The following is an entry in ClinVar:

NM_007186.6(CEP250):c.4024G>A (p.Glu1342Lys)

Gene: CEP250 (centrosomal protein 250; plus strand). Cytogenetic location: 20q11.22.
Variant type: single nucleotide variant.
Coding change: c.4024G>A on transcript NM_007186.6 (MANE Select); coding-DNA position 4024, G replaced by A.
Protein change: p.Glu1342Lys; replaces glutamic acid 1342 with lysine.
Molecular consequence: missense variant.
Genome position (GRCh38, 1-based): chr20:35,502,393, G>A. VCF-style: chr20-35502393-G-A. GRCh37 (hg19) VCF-style: chr20-34090221-G-A.
Other names: c.2128G>A, p.Glu710Lys (NM_001318219.1); short protein forms E710K, E1342K.
Identifiers: ClinVar variation 941554 (VCV000941554.8), dbSNP rs2064032915, ClinGen allele CA408746894.

ClinVar aggregate classification (germline): Uncertain significance (1 of 4 stars; one submission).

Submission:

Labcorp Genetics (formerly Invitae), Labcorp
Classification: Uncertain significance. Last evaluated: 2019-09-14. Review status: criteria provided, single submitter. Criteria: Invitae Variant Classification Sherloc (09022015). Collection method: clinical testing. Allele origin: germline.
Comment: This variant is not present in population databases (ExAC no frequency). This variant has not been reported in the literature in individuals with CEP250-related conditions. Algorithms developed to predict the effect of missense changes on protein structure and function are either unavailable or do not agree on the potential impact of this missense change (SIFT: "Deleterious"; PolyPhen-2: "Possibly Damaging"; Align-GVGD: "Class C0"). This sequence change replaces glutamic acid with lysine at codon 1342 of the CEP250 protein (p.Glu1342Lys). The glutamic acid residue is moderately conserved and there is a small physicochemical difference between glutamic acid and lysine. In summary, the available evidence is currently insufficient to determine the role of this variant in disease. Therefore, it has been classified as a Variant of Uncertain Significance.